The following is an entry in ClinVar:

ClinVar aggregate classification (germline): Conflicting classifications of pathogenicity. Review status: criteria provided, conflicting classifications (1 of 4 stars). 2 submissions from 2 submitters: Uncertain significance (1); Likely benign (1). Last evaluated 2023-07-17.

Allele frequency attached by ClinVar (database versions not stated): ExAC 0.00004; gnomAD exomes 0.00004 and 0.00008; TOPMed 0.00006; gnomAD 0.00009 and 0.00011.

Submissions (2):

Blueprint Genetics
Classification: Likely benign. Last evaluated: 2023-07-17. Review status: criteria provided, single submitter. Criteria: ACMG Guidelines, 2015. Collection method: clinical testing. Allele origin: germline.

Labcorp Genetics (formerly Invitae), Labcorp
Classification: Uncertain significance. Last evaluated: 2022-10-17. Review status: criteria provided, single submitter. Criteria: Invitae Variant Classification Sherloc (09022015). Collection method: clinical testing. Allele origin: germline.
Comment: This sequence change replaces asparagine, which is neutral and polar, with serine, which is neutral and polar, at codon 1421 of the LAMA1 protein (p.Asn1421Ser). This variant is present in population databases (rs763105467, gnomAD 0.009%). This variant has not been reported in the literature in individuals affected with LAMA1-related conditions. ClinVar contains an entry for this variant (Variation ID: 1394485). Algorithms developed to predict the effect of missense changes on protein structure and function output the following: SIFT: "Tolerated"; PolyPhen-2: "Benign"; Align-GVGD: "Class C0". The serine amino acid residue is found in multiple mammalian species, which suggests that this missense change does not adversely affect protein function. In summary, the available evidence is currently insufficient to determine the role of this variant in disease. Therefore, it has been classified as a Variant of Uncertain Significance.

NM_005559.4(LAMA1):c.4262A>G (p.Asn1421Ser)

Gene: LAMA1 (laminin subunit alpha 1; minus strand). Cytogenetic location: 18p11.31.
Variant type: single nucleotide variant.
Coding change: c.4262A>G on transcript NM_005559.4 (MANE Select); coding-DNA position 4262, A replaced by G.
Protein change: p.Asn1421Ser; replaces asparagine 1421 with serine.
Molecular consequence: missense variant.
Genome position (GRCh38, 1-based): chr18:7,002,384, T>C on the plus strand (A>G on the coding strand, the complement: LAMA1 is on the minus strand). VCF-style: chr18-7002384-T-C. GRCh37 (hg19) VCF-style: chr18-7002383-T-C.
Other names: short protein forms N1421S.
Identifiers: ClinVar variation 1394485 (VCV001394485.4), dbSNP rs763105467, ClinGen allele CA8881953.